The following is an entry in ClinVar:

NM_201378.4(PLEC):c.71-5978G>A

Gene: PLEC (plectin; minus strand). Cytogenetic location: 8q24.3.
Variant type: single nucleotide variant.
Coding change: c.71-5978G>A on transcript NM_201378.4 (MANE Plus Clinical); 5978 bases into the intron before coding-DNA position 71, G replaced by A.
Molecular consequence: intron variant. On other transcripts: 5 prime UTR variant (1).
Genome position (GRCh38, 1-based): chr8:143,944,670, C>T on the plus strand (G>A on the coding strand, the complement: PLEC is on the minus strand). VCF-style: chr8-143944670-C-T. GRCh37 (hg19) VCF-style: chr8-145018838-C-T.
Other names: c.-7G>A (NM_201381.3); c.194-5978G>A (NM_001410941.1, NM_000445.5); c.47-5978G>A (NM_201379.3); c.523+5514G>A (NM_201380.4).
Identifiers: ClinVar variation 3358033 (VCV003358033.1).

ClinVar aggregate classification (germline): Likely benign (0 of 4 stars; one submission).

Conditions:
PLEC-related disorder. Also called: PLEC-related condition; PLEC-related disorders.

gnomAD v4.1: 50 of 1,336,680 alleles (0.0037%); highest among the groups gnomAD compares: Non-Finnish European, 0.0044%; no homozygotes.

Submission:

PreventionGenetics, part of Exact Sciences
Classification: Likely benign for PLEC-related condition. Last evaluated: 2024-07-31. Review status: no assertion criteria provided. Collection method: clinical testing. Allele origin: germline.
Comment: This variant is classified as likely benign based on ACMG/AMP sequence variant interpretation guidelines (Richards et al. 2015 PMID: 25741868, with internal and published modifications).